The following is an entry in ClinVar:

ClinVar aggregate classification (germline): Uncertain significance (1 of 4 stars; one submission).

Submission:

Labcorp Genetics (formerly Invitae), Labcorp
Classification: Uncertain significance. Last evaluated: 2022-08-05. Review status: criteria provided, single submitter. Criteria: Invitae Variant Classification Sherloc (09022015). Collection method: clinical testing. Allele origin: germline.
Comment: Algorithms developed to predict the effect of missense changes on protein structure and function output the following: SIFT: "Tolerated"; PolyPhen-2: "Benign"; Align-GVGD: "Class C0". The lysine amino acid residue is found in multiple mammalian species, which suggests that this missense change does not adversely affect protein function. This variant is not present in population databases (gnomAD no frequency). This variant has not been reported in the literature in individuals affected with MPDZ-related conditions. In summary, the available evidence is currently insufficient to determine the role of this variant in disease. Therefore, it has been classified as a Variant of Uncertain Significance. This sequence change replaces arginine, which is basic and polar, with lysine, which is basic and polar, at codon 1703 of the MPDZ protein (p.Arg1703Lys).

NM_001378778.1(MPDZ):c.5108G>A (p.Arg1703Lys)

Gene: MPDZ (multiple PDZ domain crumbs cell polarity complex component; minus strand). Cytogenetic location: 9p23.
Variant type: single nucleotide variant.
Coding change: c.5108G>A on transcript NM_001378778.1 (MANE Select); coding-DNA position 5108, G replaced by A.
Protein change: p.Arg1703Lys; replaces arginine 1703 with lysine.
Molecular consequence: missense variant.
Genome position (GRCh38, 1-based): chr9:13,121,862, C>T on the plus strand (G>A on the coding strand, the complement: MPDZ is on the minus strand). VCF-style: chr9-13121862-C-T. GRCh37 (hg19) VCF-style: chr9-13121861-C-T.
Other names: c.5009G>A, p.Arg1670Lys (NM_001261406.2, NM_001261407.2, NM_001375416.1 and 3 more transcripts); c.5108G>A, p.Arg1703Lys (NM_001330637.2, NM_003829.5); c.5207G>A, p.Arg1736Lys (NM_001375413.1); c.4898G>A, p.Arg1633Lys (NM_001375420.1, NM_001375421.1, NM_001375422.1 and 4 more transcripts); c.4700G>A, p.Arg1567Lys (NM_001375427.1); short protein forms R1567K, R1633K, R1670K, R1703K, R1736K.
Identifiers: ClinVar variation 1715137 (VCV001715137.5), dbSNP rs2538445851, ClinGen allele CA372944356.